The following is an entry in ClinVar:

NM_000211.5(ITGB2):c.228C>T (p.Asp76=)

Gene: ITGB2 (integrin subunit beta 2; minus strand). Cytogenetic location: 21q22.3.
Variant type: single nucleotide variant.
Coding change: c.228C>T on transcript NM_000211.5 (MANE Select); coding-DNA position 228, C replaced by T.
Protein change: p.Asp76=; no amino-acid change (aspartic acid 76 retained).
Molecular consequence: synonymous variant.
Genome position (GRCh38, 1-based): chr21:44,907,015, G>A on the plus strand (C>T on the coding strand, the complement: ITGB2 is on the minus strand). VCF-style: chr21-44907015-G-A. GRCh37 (hg19) VCF-style: chr21-46326930-G-A.
Other names: c.228C>T (NM_000211.4, LRG_76t1); c.228C>T, p.Asp76= (NM_001127491.3); c.21C>T, p.Asp7= (NM_001303238.2).
Identifiers: ClinVar variation 340177 (VCV000340177.17), dbSNP rs368629638, ClinGen allele CA10063286.

ClinVar aggregate classification (germline): Conflicting classifications of pathogenicity. Review status: criteria provided, conflicting classifications (1 of 4 stars). 4 submissions from 4 submitters: Uncertain significance (1); Likely benign (2). 1 of the submissions does not count toward it. Last evaluated 2025-08-10.

Conditions:
ITGB2-related disorder. Also called: ITGB2-related condition.
Leukocyte adhesion deficiency 1 (LAD1). Also called: LEUKOCYTE ADHESION DEFICIENCY, TYPE I; LAD 1; Lymphocyte function-associated antigen 1 immunodeficiency; LFA 1 immunodeficiency. Identifiers: Orphanet 2968, Orphanet 99842, MedGen C0398738, MONDO:0007293, OMIM 116920.

Allele frequency attached by ClinVar (database versions not stated): gnomAD 0.00014 and 0.00015; gnomAD exomes 0.00014; ExAC 0.00016; TOPMed 0.00016; ESP Exome Variant Server 0.00023.
gnomAD v4.1: 320 of 1,613,978 alleles (0.02%); highest among the groups gnomAD compares: Non-Finnish European, 0.021%; no homozygotes.

Submissions (4):

Labcorp Genetics (formerly Invitae), Labcorp
Classification: Likely benign for Leukocyte adhesion deficiency 1. Last evaluated: 2025-08-10. Review status: criteria provided, single submitter. Criteria: Invitae Variant Classification Sherloc (09022015). Collection method: clinical testing. Allele origin: germline.

Blueprint Genetics
Classification: Likely benign. Last evaluated: 2023-01-25. Review status: criteria provided, single submitter. Criteria: ACMG Guidelines, 2015. Collection method: clinical testing. Allele origin: germline.

Illumina Laboratory Services, Illumina
Classification: Uncertain significance for Leukocyte adhesion deficiency 1. Last evaluated: 2018-01-13. Review status: criteria provided, single submitter. Criteria: ICSL Variant Classification Criteria 13 December 2019. Collection method: clinical testing. Allele origin: germline.

PreventionGenetics, part of Exact Sciences
Classification: Likely benign for ITGB2-related condition. Last evaluated: 2023-12-20. Review status: no assertion criteria provided. Collection method: clinical testing. Allele origin: germline. Not counted in ClinVar's aggregate classification.
Comment: This variant is classified as likely benign based on ACMG/AMP sequence variant interpretation guidelines (Richards et al. 2015 PMID: 25741868, with internal and published modifications).